The following is an entry in ClinVar:

ClinVar aggregate classification (germline): Likely benign. Review status: criteria provided, multiple submitters, no conflicts (2 of 4 stars). 3 submissions from 3 submitters: Likely benign (3). Last evaluated 2025-12-01.

Conditions:
Cardiovascular phenotype. Identifiers: MedGen CN230736.
RASopathy. Also called: Noonan spectrum disorder; rasopathies. Identifiers: Orphanet 536391, MedGen C5555857, MONDO:0021060.

Allele frequency attached by ClinVar (database versions not stated): gnomAD exomes below 0.00001 and 0.00001; gnomAD 0.00001; TOPMed 0.00003.
gnomAD v4.1: 16 of 1,614,040 alleles (0.00099%); highest among the groups gnomAD compares: African/African-American, 0.011%; no homozygotes.

Submissions (3):

Labcorp Genetics (formerly Invitae), Labcorp
Classification: Likely benign for RASopathy. Last evaluated: 2025-12-01. Review status: criteria provided, single submitter. Criteria: Invitae Variant Classification Sherloc (09022015). Collection method: clinical testing. Allele origin: germline.

Ambry Genetics
Classification: Likely benign for Cardiovascular phenotype. Last evaluated: 2023-01-27. Review status: criteria provided, single submitter. Criteria: Ambry Variant Classification Scheme 2023. Collection method: clinical testing. Allele origin: germline.

Laboratory for Molecular Medicine, Mass General Brigham Personalized Medicine
Classification: Likely benign. Last evaluated: 2012-05-09. Review status: criteria provided, single submitter. Criteria: LMM Criteria. Collection method: clinical testing. Allele origin: germline. Observed: 1 variant allele.
Comment: Ile861Ile in exon 16 of CBL: This variant is not expected to have clinical signi ficance because it does not alter an amino acid residue and it is not located wi thin the splice consensus sequence.

NM_005188.4(CBL):c.2583C>T (p.Ile861=)

Gene: CBL (Cbl proto-oncogene; plus strand). Cytogenetic location: 11q23.3.
Variant type: single nucleotide variant.
Coding change: c.2583C>T on transcript NM_005188.4 (MANE Select); coding-DNA position 2583, C replaced by T.
Protein change: p.Ile861=; no amino-acid change (isoleucine 861 retained).
Molecular consequence: synonymous variant.
Genome position (GRCh38, 1-based): chr11:119,299,643, C>T. VCF-style: chr11-119299643-C-T. GRCh37 (hg19) VCF-style: chr11-119170353-C-T.
Identifiers: ClinVar variation 45206 (VCV000045206.14), dbSNP rs397517080, ClinGen allele CA135731.